The following is an entry in ClinVar:

ClinVar aggregate classification (germline): Pathogenic (1 of 4 stars; one submission).

Conditions:
Cohen syndrome (COH1). Also called: Cutis verticis gyrata, retinitis pigmentosa, and sensorineural deafness; PEPPER SYNDROME. Identifiers: Orphanet 193, MedGen C0265223, MONDO:0008999, OMIM 216550.

Submission:

Labcorp Genetics (formerly Invitae), Labcorp
Classification: Pathogenic for Cohen syndrome. Last evaluated: 2023-06-17. Review status: criteria provided, single submitter. Criteria: Invitae Variant Classification Sherloc (09022015). Collection method: clinical testing. Allele origin: unknown.
Comment: For these reasons, this variant has been classified as Pathogenic. This variant has not been reported in the literature in individuals affected with VPS13B-related conditions. This variant is a gross deletion of the genomic region encompassing exon(s) 4 of the VPS13B gene. This deletion is out-of-frame, and is expected to create a premature termination codon and result in an absent or disrupted protein product. Loss-of-function variants in VPS13B are known to be pathogenic (PMID: 15141358, 16648375, 20461111).

Literature cited by the submitters: PubMed 15141358; PubMed 16648375; PubMed 20461111.

NC_000008.10:g.(?_100108520)_(100108680_?)del

Gene: VPS13B (vacuolar protein sorting 13 homolog B; plus strand). Cytogenetic location: 8q22.2.
Variant type: Deletion.
Identifiers: ClinVar variation 3245430 (VCV003245430.1).